The following is an entry in ClinVar:

NM_001031.5(RPS28):c.157G>A (p.Gly53Ser)

Gene: RPS28 (ribosomal protein S28; plus strand). Cytogenetic location: 19p13.2.
Variant type: single nucleotide variant.
Coding change: c.157G>A on transcript NM_001031.5 (MANE Select); coding-DNA position 157, G replaced by A.
Protein change: p.Gly53Ser; replaces glycine 53 with serine.
Molecular consequence: missense variant.
Genome position (GRCh38, 1-based): chr19:8,322,022, G>A. VCF-style: chr19-8322022-G-A. GRCh37 (hg19) VCF-style: chr19-8386906-G-A.
Other names: short protein forms G53S.
Identifiers: ClinVar variation 2881770 (VCV002881770.3), dbSNP rs751454612, ClinGen allele CA9155220.

ClinVar aggregate classification (germline): Uncertain significance (1 of 4 stars; one submission).

Allele frequency attached by ClinVar (database versions not stated): ExAC 0.00001.

Submission:

Labcorp Genetics (formerly Invitae), Labcorp
Classification: Uncertain significance. Last evaluated: 2023-05-24. Review status: criteria provided, single submitter. Criteria: Invitae Variant Classification Sherloc (09022015). Collection method: clinical testing. Allele origin: germline.
Comment: This variant has not been reported in the literature in individuals affected with RPS28-related conditions. In summary, the available evidence is currently insufficient to determine the role of this variant in disease. Therefore, it has been classified as a Variant of Uncertain Significance. An algorithm developed to predict the effect of missense changes on protein structure and function (PolyPhen-2) suggests that this variant is likely to be disruptive. This variant is present in population databases (rs751454612, gnomAD 0.003%). This sequence change replaces glycine, which is neutral and non-polar, with serine, which is neutral and polar, at codon 53 of the RPS28 protein (p.Gly53Ser).